The following is an entry in ClinVar:

NM_000204.5(CFI):c.1622G>A (p.Trp541Ter)

Gene: CFI (complement factor I; minus strand). Cytogenetic location: 4q25.
Variant type: single nucleotide variant.
Coding change: c.1622G>A on transcript NM_000204.5 (MANE Select); coding-DNA position 1622, G replaced by A.
Protein change: p.Trp541Ter; replaces tryptophan 541 with a stop codon.
Molecular consequence: nonsense. On other transcripts: non-coding transcript variant (3), intron variant (5).
Genome position (GRCh38, 1-based): chr4:109,741,023, C>T on the plus strand (G>A on the coding strand, the complement: CFI is on the minus strand). VCF-style: chr4-109741023-C-T. GRCh37 (hg19) VCF-style: chr4-110662179-C-T.
Other names: c.1646G>A, p.Trp549Ter (NM_001318057.2); c.1601G>A, p.Trp534Ter (NM_001331035.2); c.1565G>A, p.Trp522Ter (NM_001375283.1); c.1013G>A, p.Trp338Ter (NM_001375284.1); c.1513+1468G>A (NM_001375282.1, NM_001375280.1); c.1534+1468G>A (NM_001375281.1, NM_001375279.1); c.1558+1468G>A (NM_001375278.1); short protein forms W534*, W522*, W338*, W541*, W549*.
Identifiers: ClinVar variation 2203556 (VCV002203556.5), dbSNP rs1268486835, ClinGen allele CA357854549.

ClinVar aggregate classification (germline): Conflicting classifications of pathogenicity. Review status: criteria provided, conflicting classifications (1 of 4 stars). 2 submissions from 2 submitters: Pathogenic, low penetrance (1); Uncertain significance (1). Last evaluated 2025-09-26.

Conditions:
Atypical hemolytic-uremic syndrome. Identifiers: Orphanet 2134, MedGen C2931788, MONDO:0016244.

Allele frequency attached by ClinVar (database versions not stated): TOPMed below 0.00001.

Submissions (2):

Genomenon, Inc
Classification: Pathogenic, low penetrance for Atypical hemolytic-uremic syndrome. Last evaluated: 2025-09-26. Review status: criteria provided, single submitter. Criteria: Genomenon Sequence Variant Interpretation Standards - Updated. Collection method: curation. Allele origin: germline. Affected: yes.
Comment: CFI p.Trp541Ter (c.1622G>A) is a nonsense variant that introduces a premature stop codon at amino acid position 541, creating a truncated protein. This variant has been observed in at least one proband affected with atypical hemolytic-uremic syndrome (PMID:35619721). At least one functional study has demonstrated a substantial alteration in protein function relative to the wild-type (PMID:32510551). It is absent or not present at a significant frequency in gnomAD. In conclusion, we classify CFI p.Trp541Ter (c.1622G>A) as a pathogenic, low penetrance variant.

Labcorp Genetics (formerly Invitae), Labcorp
Classification: Uncertain significance. Last evaluated: 2024-10-24. Review status: criteria provided, single submitter. Criteria: Invitae Variant Classification Sherloc (09022015). Collection method: clinical testing. Allele origin: germline.
Comment: This sequence change creates a premature translational stop signal (p.Trp541*) in the CFI gene. While this is not anticipated to result in nonsense mediated decay, it is expected to disrupt the last 43 amino acid(s) of the CFI protein. This variant is not present in population databases (gnomAD no frequency). This premature translational stop signal has been observed in individual(s) with CFI-related conditions (PMID: 24036952, 35619721). ClinVar contains an entry for this variant (Variation ID: 2203556). Algorithms developed to predict the effect of variants on gene product structure and function are not available or were not evaluated for this variant. Experimental studies have shown that this premature translational stop signal affects CFI function (PMID: 32510551). Algorithms developed to predict the effect of sequence changes on RNA splicing suggest that this variant may disrupt the consensus splice site. In summary, the available evidence is currently insufficient to determine the role of this variant in disease. Therefore, it has been classified as a Variant of Uncertain Significance.

Literature cited by the submitters: PubMed 35619721 (cited by Genomenon, Inc and Labcorp Genetics (formerly Invitae), Labcorp); 32510551 (cited by Genomenon, Inc); PubMed 24036952 (cited by Labcorp Genetics (formerly Invitae), Labcorp); PubMed 32510551 (cited by Labcorp Genetics (formerly Invitae), Labcorp).